The following is an entry in ClinVar:

NM_000218.3(KCNQ1):c.1148dup (p.Ala384fs)

Gene: KCNQ1 (potassium voltage-gated channel subfamily Q member 1; plus strand). Cytogenetic location: 11p15.5.
Variant type: Duplication.
Coding change: c.1148dup on transcript NM_000218.3 (MANE Select); coding-DNA position 1148, one base duplicated (C; older notation c.1148dupC).
Protein change: p.Ala384fs; shifts the reading frame from alanine 384.
Molecular consequence: frameshift variant.
Genome position (GRCh38, 1-based): chr11:2,587,589, C duplicated. VCF-style (leftmost placement, unchanged base first): chr11-2587588-G-GC. GRCh37 (hg19) VCF-style: chr11-2608818-G-GC.
Other names: c.1052dup, p.Ala352Cysfs (NM_001406836.1); c.878dup, p.Ala294Cysfs (NM_001406837.1); c.608dup, p.Ala204Cysfs (NM_001406838.1); c.767dup, p.Ala257Cysfs (NM_181798.2); short protein forms A257fs, A384fs.
Identifiers: ClinVar variation 1454915 (VCV001454915.10), dbSNP rs2133758146, ClinGen allele CA2573146068.

ClinVar aggregate classification (germline): Pathogenic (1 of 4 stars; one submission).

Conditions:
Long QT syndrome (LQTS). Identifiers: MedGen C0023976, MeSH D008133, MONDO:0002442. Disease mechanism: loss of function. Inheritance: Various modes of inheritance.

Submission:

Labcorp Genetics (formerly Invitae), Labcorp
Classification: Pathogenic for Long QT syndrome. Last evaluated: 2021-03-07. Review status: criteria provided, single submitter. Criteria: Invitae Variant Classification Sherloc (09022015). Collection method: clinical testing. Allele origin: germline.
Comment: For these reasons, this variant has been classified as Pathogenic. This frameshift change has been observed in individual(s) with clinical features of Jervell and Lange-Nielsen syndrome (PMID: 21380488). This variant is not present in population databases (ExAC no frequency). This sequence change creates a premature translational stop signal (p.Ala384Cysfs*79) in the KCNQ1 gene. It is expected to result in an absent or disrupted protein product. Loss-of-function variants in KCNQ1 are known to be pathogenic (PMID: 9323054, 19862833).

Literature cited by the submitters: PubMed 21380488; PubMed 9323054; PubMed 19862833.